The following is an entry in ClinVar:

ClinVar aggregate classification (germline): Uncertain significance (1 of 4 stars; one submission).

Conditions:
Koolen-de Vries syndrome (KDVS). Identifiers: Orphanet 96169, MedGen C1864871, MONDO:0012496, OMIM 610443.

Allele frequency attached by ClinVar (database versions not stated): gnomAD exomes 0.00002.
gnomAD v4.1: 17 of 1,614,128 alleles (0.0011%); highest among the groups gnomAD compares: Non-Finnish European, 0.0014%; no homozygotes.

Submission:

Labcorp Genetics (formerly Invitae), Labcorp
Classification: Uncertain significance for Koolen-de Vries syndrome. Last evaluated: 2023-11-11. Review status: criteria provided, single submitter. Criteria: Invitae Variant Classification Sherloc (09022015). Collection method: clinical testing. Allele origin: germline.
Comment: This sequence change replaces proline, which is neutral and non-polar, with alanine, which is neutral and non-polar, at codon 653 of the KANSL1 protein (p.Pro653Ala). This variant is not present in population databases (gnomAD no frequency). This variant has not been reported in the literature in individuals affected with KANSL1-related conditions. Advanced modeling of protein sequence and biophysical properties (such as structural, functional, and spatial information, amino acid conservation, physicochemical variation, residue mobility, and thermodynamic stability) has been performed at Invitae for this missense variant, however the output from this modeling did not meet the statistical confidence thresholds required to predict the impact of this variant on KANSL1 protein function. In summary, the available evidence is currently insufficient to determine the role of this variant in disease. Therefore, it has been classified as a Variant of Uncertain Significance.

NM_015443.4(KANSL1):c.1957C>G (p.Pro653Ala)

Gene: KANSL1 (KAT8 regulatory NSL complex subunit 1). Cytogenetic location: 17q21.31.
Variant type: single nucleotide variant.
Coding change: c.1957C>G on transcript NM_015443.4 (MANE Select); coding-DNA position 1957, C replaced by G.
Protein change: p.Pro653Ala; replaces proline 653 with alanine.
Molecular consequence: missense variant.
Genome position (GRCh38, 1-based): chr17:46,050,596, G>C on the plus strand (C>G on the coding strand, the complement: KANSL1 is on the minus strand). VCF-style: chr17-46050596-G-C. GRCh37 (hg19) VCF-style: chr17-44127962-G-C.
Other names: c.1957C>G, p.Pro653Ala (NM_001193465.2, NM_001193466.2, NM_001379198.1 and 14 more transcripts); c.1855C>G, p.Pro619Ala (NM_001405859.1, NM_001405860.1, NM_001405861.1 and 1 more transcripts); c.691C>G, p.Pro231Ala (NM_001405882.1, NM_001405883.1, NM_001405884.1 and 1 more transcripts); short protein forms P231A, P619A, P653A.
Identifiers: ClinVar variation 2790746 (VCV002790746.3), dbSNP rs2510649381, ClinGen allele CA399984013.